The following is an entry in ClinVar:

ClinVar aggregate classification (germline): Pathogenic (1 of 4 stars; one submission).

Submission:

Labcorp Genetics (formerly Invitae), Labcorp
Classification: Pathogenic. Last evaluated: 2021-09-17. Review status: criteria provided, single submitter. Criteria: Invitae Variant Classification Sherloc (09022015). Collection method: clinical testing. Allele origin: germline.
Comment: This sequence change creates a premature translational stop signal (p.Gln178Glufs*12) in the GRHPR gene. It is expected to result in an absent or disrupted protein product. Loss-of-function variants in GRHPR are known to be pathogenic (PMID: 25644115). This variant is not present in population databases (ExAC no frequency). This variant has not been reported in the literature in individuals affected with GRHPR-related conditions. For these reasons, this variant has been classified as Pathogenic.

Literature cited by the submitters: PubMed 25644115.

NM_012203.2(GRHPR):c.532_533del (p.Gln178fs)

Gene: GRHPR (glyoxylate and hydroxypyruvate reductase; plus strand). Cytogenetic location: 9p13.2.
Variant type: Deletion.
Coding change: c.532_533del on transcript NM_012203.2 (MANE Select); coding-DNA positions 532 to 533, 2 bases deleted (CA; older notation c.532_533delCA).
Protein change: p.Gln178fs; shifts the reading frame from glutamine 178.
Molecular consequence: frameshift variant.
Genome position (GRCh38, 1-based): chr9:37,429,770-37,429,771, CA deleted. VCF-style (leftmost placement, unchanged base first): chr9-37429769-CCA-C. GRCh37 (hg19) VCF-style: chr9-37429766-CCA-C.
Other names: short protein forms Q178fs.
Identifiers: ClinVar variation 1353654 (VCV001353654.6), dbSNP rs2118880152, ClinGen allele CA2573144557.